The following is an entry in ClinVar:

NM_004525.3(LRP2):c.11380+7G>C

Gene: LRP2 (LDL receptor related protein 2; minus strand). Cytogenetic location: 2q31.1.
Variant type: single nucleotide variant.
Coding change: c.11380+7G>C on transcript NM_004525.3 (MANE Select); 7 bases into the intron after coding-DNA position 11380, G replaced by C.
Molecular consequence: intron variant.
Genome position (GRCh38, 1-based): chr2:169,170,544, C>G on the plus strand (G>C on the coding strand, the complement: LRP2 is on the minus strand). VCF-style: chr2-169170544-C-G. GRCh37 (hg19) VCF-style: chr2-170027054-C-G.
Identifiers: ClinVar variation 740786 (VCV000740786.12), dbSNP rs201291642, ClinGen allele CA59907945.

ClinVar aggregate classification (germline): Likely benign. Review status: criteria provided, multiple submitters, no conflicts (2 of 4 stars). 3 submissions from 3 submitters: Likely benign (2). 1 of the submissions does not count toward it. Last evaluated 2026-02-01.

Conditions:
LRP2-related disorder. Also called: LRP2-related condition.

Allele frequency attached by ClinVar (database versions not stated): TOPMed 0.00001; gnomAD 0.00006 and 0.00007; 1000 Genomes Project 30x 0.00016; 1000 Genomes Project 0.00020.
gnomAD v4.1: 19 of 1,604,182 alleles (0.0012%); highest among the groups gnomAD compares: Admixed American, 0.02%; no homozygotes.

Submissions (3):

Labcorp Genetics (formerly Invitae), Labcorp
Classification: Likely benign. Last evaluated: 2026-02-01. Review status: criteria provided, single submitter. Criteria: Invitae Variant Classification Sherloc (09022015). Collection method: clinical testing. Allele origin: germline.

Blueprint Genetics
Classification: Likely benign. Last evaluated: 2024-11-07. Review status: criteria provided, single submitter. Criteria: ACMG Guidelines, 2015. Collection method: clinical testing. Allele origin: germline.

PreventionGenetics, part of Exact Sciences
Classification: Likely benign for LRP2-related condition. Last evaluated: 2020-11-02. Review status: no assertion criteria provided. Collection method: clinical testing. Allele origin: germline. Not counted in ClinVar's aggregate classification.
Comment: This variant is classified as likely benign based on ACMG/AMP sequence variant interpretation guidelines (Richards et al. 2015 PMID: 25741868, with internal and published modifications).